The following is an entry in ClinVar:

NM_000138.5(FBN1):c.8521G>T (p.Glu2841Ter)

Gene: FBN1 (fibrillin 1; minus strand). Cytogenetic location: 15q21.1.
Variant type: single nucleotide variant.
Coding change: c.8521G>T on transcript NM_000138.5 (MANE Select); coding-DNA position 8521, G replaced by T.
Protein change: p.Glu2841Ter; replaces glutamic acid 2841 with a stop codon.
Molecular consequence: nonsense.
Genome position (GRCh38, 1-based): chr15:48,411,085, C>A on the plus strand (G>T on the coding strand, the complement: FBN1 is on the minus strand). VCF-style: chr15-48411085-C-A. GRCh37 (hg19) VCF-style: chr15-48703282-C-A.
Other names: short protein forms E2841*.
Identifiers: ClinVar variation 155795 (VCV000155795.46), dbSNP rs587782948, ClinGen allele CA017803.
Genomic context (GRCh38, chr15:48,411,085, plus strand): 5'-TATCACCCAGTTCACCACTGAGGTAGTCTTTGTCATATTTGTCTTCTAGTTGGTTAAGTT[C>A]TTTCTTTTTATAAAGTGGAGTACTACTGATTTGTAATGAATAGGTTCCAGCCACTGGCTT-3'

ClinVar aggregate classification (germline): Pathogenic/Likely pathogenic. Review status: criteria provided, multiple submitters, no conflicts (2 of 4 stars). 3 submissions from 3 submitters: Pathogenic (2); Likely pathogenic (1). Last evaluated 2023-01-05.

Conditions:
Familial thoracic aortic aneurysm and aortic dissection (TAAD). Also called: Thoracic aortic aneurysms and dissections. Identifiers: Orphanet 91387, MedGen C4707243, MONDO:0019625.

Submissions (3):

Ambry Genetics
Classification: Pathogenic for Familial thoracic aortic aneurysm and aortic dissection. Last evaluated: 2023-01-05. Review status: criteria provided, single submitter. Criteria: Ambry Variant Classification Scheme 2023. Collection method: clinical testing. Allele origin: germline.
Comment: The p.E2841* pathogenic mutation (also known as c.8521G>T), located in coding exon 65 of the FBN1 gene, results from a G to T substitution at nucleotide position 8521. This changes the amino acid from a glutamic acid to a stop codon within coding exon 65. This alteration occurs at the 3' terminus of theFBN1 gene, is not expected to trigger nonsense-mediated mRNA decay, and only impacts the last 31 amino acids (1%) of the protein. However, premature stop codons are typically deleterious in nature and the impacted region is critical for protein function (Ambry internal data). This mutation has been previously reported in a cohort of patients with suspected or confirmed Marfan syndrome (Ogawa N et al. Am. J. Cardiol. 2011;108:1801-7). This variant is considered to be rare based on population cohorts in the Genome Aggregation Database (gnomAD). Based on the supporting evidence, this alteration is interpreted as a disease-causing mutation.

GeneDx
Classification: Likely pathogenic. Last evaluated: 2018-02-08. Review status: criteria provided, single submitter. Criteria: GeneDx Variant Classification (06012015). Collection method: clinical testing. Allele origin: germline. Affected: yes.
Comment: The E2841X variant is located in the last exon of the FBN1 gene and is predicted to result in an abnormal, truncated protein product. If the protein produced is stable, the expected result is loss of the last 31 amino acid residues. Other downstream nonsense and frameshift variants in the FBN1 gene have been reported in Human Gene Mutation Database in association with Marfan syndrome and TAAD (Stenson et al., 2014). Furthermore, the E2841X variant is not observed in large population cohorts (Lek et al., 2016).

CeGaT Center for Human Genetics Tuebingen
Classification: Pathogenic. Last evaluated: 2017-03-01. Review status: criteria provided, single submitter. Criteria: CeGaT Center For Human Genetics Tuebingen Variant Classification Criteria Version 2. Collection method: clinical testing. Allele origin: germline. Affected: yes. Observed: 1 variant allele.

Literature cited by the submitters: PubMed 21907952 (cited by Ambry Genetics).